The following is an entry in ClinVar:

ClinVar aggregate classification (germline): Uncertain significance (1 of 4 stars; one submission).

Allele frequency attached by ClinVar (database versions not stated): gnomAD exomes 0.00001 and 0.00004; ExAC 0.00004; TOPMed 0.00010; gnomAD 0.00011; ESP Exome Variant Server 0.00016.
gnomAD v4.1: 31 of 1,613,784 alleles (0.0019%); highest among the groups gnomAD compares: African/African-American, 0.04%; no homozygotes.

Submission:

Labcorp Genetics (formerly Invitae), Labcorp
Classification: Uncertain significance. Last evaluated: 2025-12-15. Review status: criteria provided, single submitter. Criteria: Invitae Variant Classification Sherloc (09022015). Collection method: clinical testing. Allele origin: germline.
Comment: This sequence change replaces phenylalanine, which is neutral and non-polar, with leucine, which is neutral and non-polar, at codon 201 of the SAG protein (p.Phe201Leu). This variant is present in population databases (rs375065821, gnomAD 0.05%). This variant has not been reported in the literature in individuals affected with SAG-related conditions. ClinVar contains an entry for this variant (Variation ID: 1427107). Invitae Evidence Modeling of protein sequence and biophysical properties (such as structural, functional, and spatial information, amino acid conservation, physicochemical variation, residue mobility, and thermodynamic stability) indicates that this missense variant is not expected to disrupt SAG protein function with a negative predictive value of 80%. In summary, the available evidence is currently insufficient to determine the role of this variant in disease. Therefore, it has been classified as a Variant of Uncertain Significance.

NM_000541.5(SAG):c.601T>C (p.Phe201Leu)

Gene: SAG (S-antigen visual arrestin; plus strand). Cytogenetic location: 2q37.1.
Variant type: single nucleotide variant.
Coding change: c.601T>C on transcript NM_000541.5 (MANE Select); coding-DNA position 601, T replaced by C.
Protein change: p.Phe201Leu; replaces phenylalanine 201 with leucine.
Molecular consequence: missense variant.
Genome position (GRCh38, 1-based): chr2:233,328,566, T>C. VCF-style: chr2-233328566-T-C. GRCh37 (hg19) VCF-style: chr2-234237212-T-C.
Other names: short protein forms F201L.
Identifiers: ClinVar variation 1427107 (VCV001427107.6), dbSNP rs375065821, ClinGen allele CA2174444.